The following is an entry in ClinVar:

ClinVar aggregate classification (germline): Likely benign. Review status: criteria provided, multiple submitters, no conflicts (2 of 4 stars). 3 submissions from 3 submitters: Likely benign (2). 1 of the submissions does not count toward it. Last evaluated 2020-11-24.

Conditions:
GRN-related frontotemporal lobar degeneration with Tdp43 inclusions (FTD2). Also called: FRONTOTEMPORAL LOBAR DEGENERATION WITH UBIQUITIN-POSITIVE INCLUSIONS; FTLD-TDP, GRN-RELATED; FRONTOTEMPORAL DEMENTIA WITH TDP43 INCLUSIONS, GRN-RELATED; GRN Frontotemporal Dementia; DEMENTIA, HEREDITARY DYSPHASIC DISINHIBITION. Identifiers: Orphanet 100070, Orphanet 282, MedGen C1843792, MONDO:0011842, OMIM 607485. Disease mechanism: loss of function.

Allele frequency attached by ClinVar (database versions not stated): gnomAD 0.00057; 1000 Genomes Project 30x 0.00094; gnomAD exomes 0.00746; 1000 Genomes Project 0.00040; TOPMed 0.00089.

Submissions (3):

Athena Diagnostics
Classification: Likely benign. Last evaluated: 2020-11-24. Review status: criteria provided, single submitter. Criteria: Athena Diagnostics criteria. Collection method: clinical testing. Allele origin: unknown.

Illumina Laboratory Services, Illumina
Classification: Likely benign for GRN-related frontotemporal lobar degeneration with Tdp43 inclusions. Last evaluated: 2018-01-13. Review status: criteria provided, single submitter. Criteria: ICSL Variant Classification Criteria 13 December 2019. Collection method: clinical testing. Allele origin: germline.
Comment: This variant was observed in the ICSL laboratory as part of a predisposition screen in an ostensibly healthy population. It had not been previously curated by ICSL or reported in the Human Gene Mutation Database (HGMD: prior to June 1st, 2018), and was therefore a candidate for classification through an automated scoring system. Utilizing variant allele frequency, disease prevalence and penetrance estimates, and inheritance mode, an automated score was calculated to assess if this variant is too frequent to cause the disease. Based on the score and internal cut-off values, a variant classified as likely benign is not then subjected to further curation. The score for this variant resulted in a classification of likely benign for this disease.

Mayo Clinic Laboratories, Mayo Clinic
Classification: Uncertain significance. Last evaluated: 2017-09-05. Review status: no assertion criteria provided. Collection method: clinical testing. Allele origin: unknown. Not counted in ClinVar's aggregate classification.

Literature cited by the submitters: PubMed 18543312 (cited by Athena Diagnostics).

NM_002087.2(GRN):c.-45C>G

Gene: GRN (granulin precursor; plus strand). Cytogenetic location: 17q21.31.
Variant type: single nucleotide variant.
Coding change: c.-45C>G on transcript NM_002087.2; 45 bases upstream of the start codon, C replaced by G.
Genome position (GRCh38, 1-based): chr17:44,345,297, C>G. VCF-style: chr17-44345297-C-G. GRCh37 (hg19) VCF-style: chr17-42422665-C-G.
Identifiers: ClinVar variation 323530 (VCV000323530.11), dbSNP rs563336550, ClinGen allele CA10639809.